The following is an entry in ClinVar:

NM_000014.6(A2M):c.1275C>T (p.Tyr425=)

Genes: A2M (alpha-2-macroglobulin; minus strand), KLRG1 (killer cell lectin like receptor G1; plus strand). Cytogenetic location: 12p13.31.
Variant type: single nucleotide variant.
Coding change: c.1275C>T on transcript NM_000014.6 (MANE Select); coding-DNA position 1275, C replaced by T.
Protein change: p.Tyr425=; no amino-acid change (tyrosine 425 retained).
Molecular consequence: synonymous variant.
Genome position (GRCh38, 1-based): chr12:9,101,666, G>A on the plus strand (C>T on the coding strand, the complement: A2M is on the minus strand). VCF-style: chr12-9101666-G-A. GRCh37 (hg19) VCF-style: chr12-9254262-G-A.
Other names: c.1275C>T, p.Tyr425= (NM_001347423.2); c.975C>T, p.Tyr325= (NM_001347424.2); c.825C>T, p.Tyr275= (NM_001347425.2).
Identifiers: ClinVar variation 3049620 (VCV003049620.2), dbSNP rs201110464, ClinGen allele CA6438692.

ClinVar aggregate classification (germline): Benign (0 of 4 stars; one submission).

Conditions:
A2M-related disorder. Also called: A2M-related condition.

Allele frequency attached by ClinVar (database versions not stated): gnomAD exomes 0.00014; TOPMed 0.00023; ExAC 0.00025.
gnomAD v4.1: 264 of 1,610,708 alleles (0.016%); highest among the groups gnomAD compares: Admixed American, 0.033%; 1 homozygote.

Submission:

PreventionGenetics, part of Exact Sciences
Classification: Benign for A2M-related condition. Last evaluated: 2019-07-10. Review status: no assertion criteria provided. Collection method: clinical testing. Allele origin: germline.
Comment: This variant is classified as benign based on ACMG/AMP sequence variant interpretation guidelines (Richards et al. 2015 PMID: 25741868, with internal and published modifications).